The following is an entry in ClinVar:

ClinVar aggregate classification (germline): Pathogenic/Likely pathogenic. Review status: criteria provided, multiple submitters, no conflicts (2 of 4 stars). 2 submissions from 2 submitters: Pathogenic (1); Likely pathogenic (1). Last evaluated 2026-01-14.

Conditions:
Dilated cardiomyopathy 1G (CMD1G). Identifiers: Orphanet 154, MedGen C1858763, MONDO:0011400, OMIM 604145.
Autosomal recessive limb-girdle muscular dystrophy type 2J (LGMDR10). Also called: Limb-girdle muscular dystrophy, type 2J; MUSCULAR DYSTROPHY, LIMB-GIRDLE, AUTOSOMAL RECESSIVE 10. Identifiers: Orphanet 140922, MedGen C1837342, MONDO:0012127, OMIM 608807.

Allele frequency attached by ClinVar (database versions not stated): TOPMed below 0.00001.

Submissions (2):

GeneDx
Classification: Likely pathogenic. Last evaluated: 2026-01-14. Review status: criteria provided, single submitter. Criteria: GeneDx Variant Classification Process June 2021. Collection method: clinical testing. Allele origin: germline.
Comment: Canonical splice site variant predicted to result in an in-frame loss of the adjacent exon in a gene for which loss of function is a known mechanism of disease; Not observed at significant frequency in large population cohorts (gnomAD); Has not been previously published in association with a TTN-related disorder to our knowledge; This variant is associated with the following publications: (PMID: 22335739, 32778822, 33226272)

Labcorp Genetics (formerly Invitae), Labcorp
Classification: Pathogenic for Dilated cardiomyopathy 1G; Autosomal recessive limb-girdle muscular dystrophy type 2J. Last evaluated: 2024-10-18. Review status: criteria provided, single submitter. Criteria: Invitae Variant Classification Sherloc (09022015). Collection method: clinical testing. Allele origin: germline.
Comment: This sequence change affects a donor splice site in intron 316 of the TTN gene. While this is not anticipated to result in nonsense mediated decay, it is expected to create a truncated TTN protein. This variant is not present in population databases (gnomAD no frequency). Disruption of this splice site has been observed in individuals with clinical features of autosomal recessive neuromuscular conditions (internal data). ClinVar contains an entry for this variant (Variation ID: 404894). Algorithms developed to predict the effect of sequence changes on RNA splicing suggest that this variant may disrupt the consensus splice site. This variant is located in the A band of TTN (PMID: 25589632). Truncating variants in this region are significantly overrepresented in patients affected with dilated cardiomyopathy (PMID: 25589632). Truncating variants in this region have also been reported in individuals affected with autosomal recessive centronuclear myopathy (PMID: 23975875). For these reasons, this variant has been classified as Pathogenic.

Literature cited by the submitters: PubMed 25589632 (cited by Labcorp Genetics (formerly Invitae), Labcorp); PubMed 23975875 (cited by Labcorp Genetics (formerly Invitae), Labcorp).

NM_001267550.2(TTN):c.66769+2T>A

Genes: TTN (titin; minus strand), TTN-AS1 (TTN antisense RNA 1; plus strand). Cytogenetic location: 2q31.2.
Variant type: single nucleotide variant.
Coding change: c.66769+2T>A on transcript NM_001267550.2 (MANE Select); the canonical splice donor site of the intron after coding-DNA position 66769, T replaced by A.
Molecular consequence: splice donor variant.
Genome position (GRCh38, 1-based): chr2:178,581,497, A>T on the plus strand (T>A on the coding strand, the complement: TTN is on the minus strand). VCF-style: chr2-178581497-A-T. GRCh37 (hg19) VCF-style: chr2-179446224-A-T.
Other names: c.39574+2T>A (NM_003319.4); c.40150+2T>A (NM_133437.4); c.39949+2T>A (NM_133432.3); c.59065+2T>A (NM_133378.4); c.61846+2T>A (NM_001256850.1).
Identifiers: ClinVar variation 404894 (VCV000404894.14), dbSNP rs1060500483, ClinGen allele CA16610389.
Genomic context (GRCh38, chr2:178,581,497, plus strand): 5'-GTCTCCCTCTTAGAATATGATTAATAGGAAAAGCCTTATGTACTCCCCCTGGTAATACTT[A>T]CTTAAGATGTCCTTGGGATAGTGTTTATCTGGCACATCACTGGGGTCACTGTATCCAATC-3'